The following is an entry in ClinVar:

ClinVar aggregate classification (germline): Likely pathogenic (1 of 4 stars; one submission).

Conditions:
Cohen syndrome (COH1). Also called: PEPPER SYNDROME; Cutis verticis gyrata, retinitis pigmentosa, and sensorineural deafness. Identifiers: Orphanet 193, MedGen C0265223, MONDO:0008999, OMIM 216550.

Submission:

Natera, Inc.
Classification: Likely pathogenic for Cohen syndrome. Last evaluated: 2025-01-19. Review status: criteria provided, single submitter. Criteria: Natera Variant Classification Schema (03/2026). Collection method: clinical testing. Allele origin: germline.
Comment: The c.4590_4608del variant in VPS13B is a frameshift variant predicted to shift the reading frame beginning at codon 1531 and leads to a stop codon 3 codons downstream. This variant is expected to result in nonsense mediated decay, truncation, or a dysfunctional protein product. This variant is rare in the general population with a frequency below the threshold expected for the associated phenotype(s). Given the available evidence, this variant is classified as Likely Pathogenic.

NM_152564.5(VPS13B):c.4515_4533del (p.Gly1506fs)

Gene: VPS13B (vacuolar protein sorting 13 homolog B; plus strand). Cytogenetic location: 8q22.2.
Variant type: Deletion.
Coding change: c.4515_4533del on transcript NM_152564.5 (MANE Select); coding-DNA positions 4515 to 4533, 19 bases deleted (TGGTCAGCCCATGAGGACC).
Protein change: p.Gly1506fs; shifts the reading frame from glycine 1506.
Molecular consequence: frameshift variant.
Genome position (GRCh38, 1-based): chr8:99,511,394-99,511,412, TGGTCAGCCCATGAGGACC deleted; deleting any 19 consecutive bases within chr8:99,511,392-99,511,412 gives the same sequence; the c. name uses the placement nearest the transcript's 3' end. VCF-style (leftmost placement, unchanged base first): chr8-99511391-TCCTGGTCAGCCCATGAGGA-T. GRCh37 (hg19) VCF-style: chr8-100523619-TCCTGGTCAGCCCATGAGGA-T.
Other names: c.4590_4608del19, p.Gly1531Ilefs (NM_017890.4); c.4590_4608del, p.Gly1531fs (NM_017890.5); short protein forms G1506fs, G1531fs.
Identifiers: ClinVar variation 4063264 (VCV004063264.2).
Genomic context (GRCh38, chr8:99,511,391, plus strand): 5'-TGCCATTGCAAGTATATTTCAAGCAAAACTACCAAAGACCCAAAAAGAGAAAAGAAAATC[TCCTGGTCAGCCCATGAGGA>T]CCCATACACTGACATCCCGCAATTTACCTTTGATTTATGTCAACACAAGTGTAATCAGAA-3'